The following is an entry in ClinVar:

ClinVar aggregate classification (germline): Uncertain significance (1 of 4 stars; one submission).

Conditions:
Rhabdoid tumor predisposition syndrome 2 (RTPS2). Identifiers: Orphanet 231108, Orphanet 69077, MedGen C2750074, MONDO:0013224, OMIM 613325.

Submission:

Labcorp Genetics (formerly Invitae), Labcorp
Classification: Uncertain significance for Rhabdoid tumor predisposition syndrome 2. Last evaluated: 2024-01-30. Review status: criteria provided, single submitter. Criteria: Invitae Variant Classification Sherloc (09022015). Collection method: clinical testing. Allele origin: germline.
Comment: This sequence change replaces serine, which is neutral and polar, with threonine, which is neutral and polar, at codon 1587 of the SMARCA4 protein (p.Ser1587Thr). This variant is not present in population databases (gnomAD no frequency). This variant has not been reported in the literature in individuals affected with SMARCA4-related conditions. Advanced modeling of protein sequence and biophysical properties (such as structural, functional, and spatial information, amino acid conservation, physicochemical variation, residue mobility, and thermodynamic stability) has been performed at Invitae for this missense variant, however the output from this modeling did not meet the statistical confidence thresholds required to predict the impact of this variant on SMARCA4 protein function. In summary, the available evidence is currently insufficient to determine the role of this variant in disease. Therefore, it has been classified as a Variant of Uncertain Significance.

NM_003072.5(SMARCA4):c.4663T>A (p.Ser1555Thr)

Gene: SMARCA4 (SWI/SNF related BAF chromatin remodeling complex subunit ATPase 4; plus strand). Cytogenetic location: 19p13.2.
Variant type: single nucleotide variant.
Coding change: c.4663T>A on transcript NM_003072.5 (MANE Select); coding-DNA position 4663, T replaced by A.
Protein change: p.Ser1555Thr; replaces serine 1555 with threonine.
Molecular consequence: missense variant. On other transcripts: non-coding transcript variant (1).
Genome position (GRCh38, 1-based): chr19:11,059,780, T>A. VCF-style: chr19-11059780-T-A. GRCh37 (hg19) VCF-style: chr19-11170456-T-A.
Other names: c.4663T>A, p.Ser1555Thr (NM_001128844.3); c.4573T>A, p.Ser1525Thr (NM_001128845.2); c.4570T>A, p.Ser1524Thr (NM_001128846.2); c.4564T>A, p.Ser1522Thr (NM_001128847.4, NM_001374457.1); c.4561T>A, p.Ser1521Thr (NM_001128848.2); c.4759T>A, p.Ser1587Thr (NM_001128849.3, NM_001387283.1); c.4660T>A, p.Ser1554Thr (NM_001411150.1); short protein forms S1524T, S1587T, S1521T, S1522T, S1525T, S1555T, S1554T.
Identifiers: ClinVar variation 2713542 (VCV002713542.3), dbSNP rs2147113521, ClinGen allele CA404079260.